The following is an entry in ClinVar:

ClinVar aggregate classification (germline): Uncertain significance (1 of 4 stars; one submission).

Conditions:
Retinoblastoma (RB1). Also called: RETINOBLASTOMA, SOMATIC. Identifiers: Orphanet 790, MedGen C0035335, MeSH D012175, MONDO:0008380, OMIM 180200, HP:0009919. Disease mechanism: loss of function. Inheritance: Both sporadic and heritable forms are tested..

Allele frequency attached by ClinVar (database versions not stated): gnomAD exomes below 0.00001.
gnomAD v4.1: 1 of 1,528,184 alleles (0.000065%); highest among the groups gnomAD compares: Non-Finnish European, 0.000091%; no homozygotes.

Submission:

Labcorp Genetics (formerly Invitae), Labcorp
Classification: Uncertain significance for Retinoblastoma. Last evaluated: 2023-05-01. Review status: criteria provided, single submitter. Criteria: Invitae Variant Classification Sherloc (09022015). Collection method: clinical testing. Allele origin: germline.
Comment: This variant is not present in population databases (gnomAD no frequency). In summary, the available evidence is currently insufficient to determine the role of this variant in disease. Therefore, it has been classified as a Variant of Uncertain Significance. Advanced modeling of protein sequence and biophysical properties (such as structural, functional, and spatial information, amino acid conservation, physicochemical variation, residue mobility, and thermodynamic stability) performed at Invitae indicates that this missense variant is not expected to disrupt RB1 protein function. This variant has not been reported in the literature in individuals affected with RB1-related conditions. This sequence change replaces methionine, which is neutral and non-polar, with leucine, which is neutral and non-polar, at codon 705 of the RB1 protein (p.Met705Leu).

NM_000321.3(RB1):c.2113A>T (p.Met705Leu)

Gene: RB1 (RB transcriptional corepressor 1; plus strand). Cytogenetic location: 13q14.2.
Variant type: single nucleotide variant.
Coding change: c.2113A>T on transcript NM_000321.3 (MANE Select); coding-DNA position 2113, A replaced by T.
Protein change: p.Met705Leu; replaces methionine 705 with leucine.
Molecular consequence: missense variant.
Genome position (GRCh38, 1-based): chr13:48,463,737, A>T. VCF-style: chr13-48463737-A-T. GRCh37 (hg19) VCF-style: chr13-49037873-A-T.
Other names: c.2113A>T, p.Met705Leu (NM_001407165.1); short protein forms M705L.
Identifiers: ClinVar variation 2861039 (VCV002861039.3), dbSNP rs2138342234, ClinGen allele CA388167012.
Genomic context (GRCh38, chr13:48,463,737, plus strand): 5'-GAACAAAACCATGTAATAAAATTCTGACTACTTTTACATCAATTTATTTACTAGATTATG[A>T]TGTGTTCCATGTATGGCATATGCAAAGTGAAGAATATAGACCTTAAATTCAAAATCATTG-3'
Protein context (NP_000312.2, residues 695-715): MRDRHLDQIM[Met705Leu]CSMYGICKVK